The following is an entry in ClinVar:

ClinVar aggregate classification (germline): Uncertain significance. Review status: criteria provided, multiple submitters, no conflicts (2 of 4 stars). 2 submissions from 2 submitters: Uncertain significance (2). Last evaluated 2024-05-03.

Allele frequency attached by ClinVar (database versions not stated): gnomAD exomes below 0.00001; TOPMed below 0.00001; gnomAD 0.00001.
gnomAD v4.1: 2 of 1,613,766 alleles (0.00012%); highest among the groups gnomAD compares: Non-Finnish European, 0.00017%; no homozygotes.

Submissions (2):

Blueprint Genetics
Classification: Uncertain significance. Last evaluated: 2024-05-03. Review status: criteria provided, single submitter. Criteria: ACMG Guidelines, 2015. Collection method: clinical testing. Allele origin: germline.

CeGaT Center for Human Genetics Tuebingen
Classification: Uncertain significance. Last evaluated: 2022-08-01. Review status: criteria provided, single submitter. Criteria: CeGaT Center For Human Genetics Tuebingen Variant Classification Criteria Version 2. Collection method: clinical testing. Allele origin: germline. Affected: yes. Observed: 1 variant allele.
Comment: ASXL3: PM2

NM_030632.3(ASXL3):c.3470G>A (p.Gly1157Asp)

Gene: ASXL3 (ASXL transcriptional regulator 3; plus strand). Cytogenetic location: 18q12.1.
Variant type: single nucleotide variant.
Coding change: c.3470G>A on transcript NM_030632.3 (MANE Select); coding-DNA position 3470, G replaced by A.
Protein change: p.Gly1157Asp; replaces glycine 1157 with aspartic acid.
Molecular consequence: missense variant.
Genome position (GRCh38, 1-based): chr18:33,743,318, G>A. VCF-style: chr18-33743318-G-A. GRCh37 (hg19) VCF-style: chr18-31323282-G-A.
Other names: short protein forms G1157D.
Identifiers: ClinVar variation 2648649 (VCV002648649.25), dbSNP rs1352935416, ClinGen allele CA402185406.